The following is an entry in ClinVar:

ClinVar aggregate classification (germline): Pathogenic/Likely pathogenic. Review status: criteria provided, multiple submitters, no conflicts (2 of 4 stars). 2 submissions from 2 submitters: Pathogenic (1); Likely pathogenic (1). Last evaluated 2023-10-09.

Conditions:
Multiple acyl-CoA dehydrogenase deficiency (MADD). Also called: ETHYLMALONIC-ADIPICACIDURIA; GA II; Glutaric Acidemia type 2; Glutaric aciduria, type 2; Glutaric acidemia type II; GA 2. Identifiers: Orphanet 26791, MedGen C0268596, MONDO:0009282, OMIM 231680.

Allele frequency attached by ClinVar (database versions not stated): gnomAD exomes 0.00001.
gnomAD v4.1: 10 of 1,605,818 alleles (0.00062%); highest among the groups gnomAD compares: Non-Finnish European, 0.00085%; no homozygotes.

Submissions (2):

Labcorp Genetics (formerly Invitae), Labcorp
Classification: Pathogenic for Multiple acyl-CoA dehydrogenase deficiency. Last evaluated: 2023-10-09. Review status: criteria provided, single submitter. Criteria: Invitae Variant Classification Sherloc (09022015). Collection method: clinical testing. Allele origin: germline.
Comment: This sequence change creates a premature translational stop signal (p.Gln136*) in the ETFB gene. It is expected to result in an absent or disrupted protein product. Loss-of-function variants in ETFB are known to be pathogenic (PMID: 16510302, 23785301). This variant is not present in population databases (gnomAD no frequency). This variant has not been reported in the literature in individuals affected with ETFB-related conditions. For these reasons, this variant has been classified as Pathogenic.

Baylor Genetics
Classification: Likely pathogenic for Multiple acyl-CoA dehydrogenase deficiency. Last evaluated: 2023-09-04. Review status: criteria provided, single submitter. Criteria: ACMG Guidelines, 2015. Collection method: clinical testing. Allele origin: unknown.

Literature cited by the submitters: PubMed 16510302 (cited by Labcorp Genetics (formerly Invitae), Labcorp); PubMed 23785301 (cited by Labcorp Genetics (formerly Invitae), Labcorp).

NM_001985.3(ETFB):c.406C>T (p.Gln136Ter)

Gene: ETFB (electron transfer flavoprotein subunit beta; minus strand). Cytogenetic location: 19q13.41.
Variant type: single nucleotide variant.
Coding change: c.406C>T on transcript NM_001985.3 (MANE Select); coding-DNA position 406, C replaced by T.
Protein change: p.Gln136Ter; replaces glutamine 136 with a stop codon.
Molecular consequence: nonsense.
Genome position (GRCh38, 1-based): chr19:51,350,361, G>A on the plus strand (C>T on the coding strand, the complement: ETFB is on the minus strand). VCF-style: chr19-51350361-G-A. GRCh37 (hg19) VCF-style: chr19-51853615-G-A.
Other names: c.679C>T, p.Gln227Ter (NM_001014763.1); short protein forms Q136*, Q227*.
Identifiers: ClinVar variation 2675091 (VCV002675091.4), dbSNP rs1985903483, ClinGen allele CA407081943.
Genomic context (GRCh38, chr19:51,350,361, plus strand): 5'-CAGCAGGTGCTCCCCACTCCAGTCTCACCTGTGGCCAGTCAAGAAATCCAGCTGTCATCT[G>A]CCCTGTCTGGTTACAGTCATCATCGATGGCCTGAATGGGGAGAGACAGAAGACTGTATGA-3'